The following is an entry in ClinVar:

ClinVar aggregate classification (germline): Likely benign (1 of 4 stars; one submission).

Allele frequency attached by ClinVar (database versions not stated): gnomAD exomes 0.00065; gnomAD 0.00685 and 0.00733; TOPMed 0.00733; 1000 Genomes Project 0.00759; 1000 Genomes Project 30x 0.00843.
gnomAD v4.1: 1,984 of 1,559,258 alleles (0.13%); highest among the groups gnomAD compares: African/African-American, 2.4%; 19 homozygotes.

Submission:

GeneDx
Classification: Likely benign. Last evaluated: 2018-06-14. Review status: criteria provided, single submitter. Criteria: GeneDx Variant Classification (06012015). Collection method: clinical testing. Allele origin: germline. Affected: yes.
Comment: This variant is considered likely benign or benign based on one or more of the following criteria: it is a conservative change, it occurs at a poorly conserved position in the protein, it is predicted to be benign by multiple in silico algorithms, and/or has population frequency not consistent with disease.

NM_025219.3(DNAJC5):c.108-61G>A

Gene: DNAJC5 (DnaJ heat shock protein family (Hsp40) member C5; plus strand). Cytogenetic location: 20q13.33.
Variant type: single nucleotide variant.
Coding change: c.108-61G>A on transcript NM_025219.3 (MANE Select); 61 bases into the intron before coding-DNA position 108, G replaced by A.
Molecular consequence: intron variant.
Genome position (GRCh38, 1-based): chr20:63,929,251, G>A. VCF-style: chr20-63929251-G-A. GRCh37 (hg19) VCF-style: chr20-62560604-G-A.
Identifiers: ClinVar variation 675163 (VCV000675163.1), dbSNP rs116782755, ClinGen allele CA317519741.
Genomic context (GRCh38, chr20:63,929,251, plus strand): 5'-GTGGCCTGGGTGGACCTGCCTTCCACTGCACCCGGCAGTGCGTGCGGGTGGGATGGACGC[G>A]GCGGCGGGTGCGGGTGGAACAAAGTCCAGGGTAGAGCCAGGACATGGTTTTGGTTTGCAG-3'